The following is an entry in ClinVar:

NM_001384474.1(LOXHD1):c.4477G>C (p.Glu1493Gln)

Gene: LOXHD1 (lipoxygenase homology PLAT domains 1; minus strand). Cytogenetic location: 18q21.1.
Variant type: single nucleotide variant.
Coding change: c.4477G>C on transcript NM_001384474.1 (MANE Select); coding-DNA position 4477, G replaced by C.
Protein change: p.Glu1493Gln; replaces glutamic acid 1493 with glutamine.
Molecular consequence: missense variant.
Genome position (GRCh38, 1-based): chr18:46,529,230, C>G on the plus strand (G>C on the coding strand, the complement: LOXHD1 is on the minus strand). VCF-style: chr18-46529230-C-G. GRCh37 (hg19) VCF-style: chr18-44109193-C-G.
Other names: c.1144G>C, p.Glu382Gln (NM_001145472.3); c.856G>C, p.Glu286Gln (NM_001308013.2); c.4477G>C, p.Glu1493Gln (NM_144612.7); c.4477G>C (NM_144612.6); short protein forms E286Q, E382Q, E1493Q.
Identifiers: ClinVar variation 2915264 (VCV002915264.4), dbSNP rs1166673793, ClinGen allele CA402373800.
Genomic context (GRCh38, chr18:46,529,230, plus strand): 5'-CTCATACCGTTCCTCTCTCGAACTTGTTGGTCCGGTTCTCTGACTTGCCAAGGTATCGCT[C>G]CCCAGTGTCCCCGAGGTCTCCATAGATGGTGATGTACACCTTGGCATCCGTCCCTGCCCC-3'
Protein context (NP_001371403.1, residues 1483-1503): TIYGDLGDTG[Glu1493Gln]RYLGKSENRT

ClinVar aggregate classification (germline): Uncertain significance. Review status: criteria provided, single submitter (1 of 4 stars). 2 submissions from 2 submitters: Uncertain significance (1). 1 of the submissions does not count toward it. Last evaluated 2023-06-30.

Conditions:
Autosomal recessive nonsyndromic hearing loss 77. Identifiers: Orphanet 90636, MedGen C2746083, MONDO:0013119, OMIM 613079.

Allele frequency attached by ClinVar (database versions not stated): gnomAD exomes below 0.00001.
gnomAD v4.1: 1 of 1,551,640 alleles (0.000064%); highest among the groups gnomAD compares: African/African-American, 0.0014%; no homozygotes.

Submissions (2):

Labcorp Genetics (formerly Invitae), Labcorp
Classification: Uncertain significance. Last evaluated: 2023-06-30. Review status: criteria provided, single submitter. Criteria: Invitae Variant Classification Sherloc (09022015). Collection method: clinical testing. Allele origin: germline.
Comment: In summary, the available evidence is currently insufficient to determine the role of this variant in disease. Therefore, it has been classified as a Variant of Uncertain Significance. An algorithm developed to predict the effect of missense changes on protein structure and function (PolyPhen-2) suggests that this variant is likely to be disruptive. This variant has not been reported in the literature in individuals affected with LOXHD1-related conditions. This variant is present in population databases (no rsID available, gnomAD 0.01%). This sequence change replaces glutamic acid, which is acidic and polar, with glutamine, which is neutral and polar, at codon 1493 of the LOXHD1 protein (p.Glu1493Gln).

Natera, Inc.
Classification: Uncertain significance for Autosomal recessive deafness type 77. Last evaluated: 2025-03-21. Review status: no assertion criteria provided. Collection method: clinical testing. Allele origin: germline. Not counted in ClinVar's aggregate classification.